The following is an entry in ClinVar:

ClinVar aggregate classification (germline): Pathogenic. Review status: criteria provided, multiple submitters, no conflicts (2 of 4 stars). 15 submissions from 15 submitters: Pathogenic (14). 1 of the submissions does not count toward it. Last evaluated 2026-05-06.

Conditions:
TSC2-related disorder. Also called: TSC2-related condition; TSC2-Related Disorders.
Hereditary cancer-predisposing syndrome. Also called: Tumor predisposition; Neoplastic Syndromes, Hereditary; Hereditary neoplastic syndrome; Hereditary Cancer Syndrome. Identifiers: Orphanet 140162, MedGen C0027672, MeSH D009386, MONDO:0015356.
Tuberous sclerosis syndrome (TSC). Also called: Tuberous Sclerosis Complex; Tuberous sclerosis. Identifiers: Orphanet 805, MedGen C0041341, MONDO:0001734.
Tuberous sclerosis 2 (TSC2). Identifiers: Orphanet 805, MedGen C1860707, MONDO:0013199, OMIM 613254.

Allele frequency attached by ClinVar (database versions not stated): gnomAD 0.00003.

Submissions (15):

Clinical Genetics Laboratory, Skane University Hospital Lund
Classification: Pathogenic for Tuberous sclerosis syndrome. Last evaluated: 2026-05-06. Review status: criteria provided, single submitter. Criteria: ACMG Guidelines, 2015. Collection method: clinical testing. Allele origin: germline. Affected: yes.
Comment: ACMG criteria used: PVS1, PM2 and PS4

PreventionGenetics, part of Exact Sciences
Classification: Pathogenic for TSC2-related condition. Last evaluated: 2025-07-25. Review status: criteria provided, single submitter. Criteria: ACMG Guidelines, 2015. Collection method: clinical testing. Allele origin: germline.
Comment: The TSC2 c.4375C>T variant is predicted to result in premature protein termination (p.Arg1459*). This variant has been reported in numerous individuals with tuberous sclerosis complex (Jones et al. 1999. PubMed ID: 10205261; Zhang et al. 1999. PubMed ID: 10570911; Dabora et al. 2000. PubMed ID: 11112665; Qin et al. 2010. PubMed ID: 20633017). It has also been reported in a newborn with multiple cardiac rhabdomyomas (Mariscal-Mendizábal et al. 2019. PubMed ID: 31291687), an individual with TSC with lymphangioleiomyomatosis (Liu et al. 2019. PubMed ID: 31856217), and an individual with status epilepticus (Wang et al. 2020. PubMed ID: 33278787). This variant is reported in 0.011% of alleles in individuals of African descent in gnomAD and is interpreted as pathogenic in ClinVar (Variation ID: 49986). Nonsense variants in TSC2 are expected to be pathogenic. This variant is interpreted as pathogenic.

Molecular Pathology, Peter Maccallum Cancer Centre
Classification: Pathogenic for Tuberous sclerosis 2. Last evaluated: 2025-05-28. Review status: criteria provided, single submitter. Criteria: ACMG Guidelines, 2015. Collection method: clinical testing. Allele origin: germline. Inheritance: Autosomal dominant inheritance.

Labcorp Genetics (formerly Invitae), Labcorp
Classification: Pathogenic for Tuberous sclerosis 2. Last evaluated: 2025-03-18. Review status: criteria provided, single submitter. Criteria: Invitae Variant Classification Sherloc (09022015). Collection method: clinical testing. Allele origin: germline.
Comment: This sequence change creates a premature translational stop signal (p.Arg1459*) in the TSC2 gene. It is expected to result in an absent or disrupted protein product. Loss-of-function variants in TSC2 are known to be pathogenic (PMID: 10205261, 17304050). This variant is present in population databases (rs45517340, gnomAD 0.01%). This premature translational stop signal has been observed in individual(s) with tuberous sclerosis complex (PMID: 10205261, 10533067, 10570911, 11112665, 14508401, 20633017, 28968464). In at least one individual the variant was observed to be de novo. ClinVar contains an entry for this variant (Variation ID: 49986). Algorithms developed to predict the effect of sequence changes on RNA splicing suggest that this variant may disrupt the consensus splice site. For these reasons, this variant has been classified as Pathogenic.

Ambry Genetics
Classification: Pathogenic for Hereditary cancer-predisposing syndrome. Last evaluated: 2024-10-07. Review status: criteria provided, single submitter. Criteria: Ambry Variant Classification Scheme 2023. Collection method: clinical testing. Allele origin: germline.
Comment: The p.R1459* pathogenic mutation (also known as c.4375C>T), located in coding exon 33 of the TSC2 gene, results from a C to T substitution at nucleotide position 4375. This changes the amino acid from an arginine to a stop codon within coding exon 33. This mutation has been detected in several unrelated individuals of various ethnic backgrounds reported to have diagnosed or suspected tuberous sclerosis complex (Jones AC et al. Am J Hum Genet. 1999;64:1305-15; Niida Y et al. Hum Mutat. 1999;14:412-22; Zhang H et al. J Hum Genet. 1999;44:391-6; Dabora SL et al. Am J Hum Genet. 2001;68:64-80; Breathnach C et al. Pediatrics. 2014;134:e1199-202; Bai D et al. Sci China Life Sci. 2017;60:763-771; Rosset C et al. PLoS ONE. 2017;12:e0185713). In addition to the clinical data presented in the literature, this alteration is expected to result in loss of function by premature protein truncation or nonsense-mediated mRNA decay. As such, this alteration is interpreted as a disease-causing mutation.

Institute of Medical Genetics and Applied Genomics, University Hospital Tübingen
Classification: Pathogenic for Tuberous sclerosis syndrome. Last evaluated: 2024-09-05. Review status: criteria provided, single submitter. Criteria: ACMG Guidelines, 2015. Collection method: clinical testing. Allele origin: germline. Inheritance: Autosomal dominant inheritance. Affected: yes.

Blueprint Genetics
Classification: Pathogenic for TSC2-related disorders. Last evaluated: 2024-08-21. Review status: criteria provided, single submitter. Criteria: ACMG Guidelines, 2015. Collection method: clinical testing. Allele origin: germline. Affected: yes. Observed: 2 variant alleles.

Division of Human Genetics, National Health Laboratory Service/University of the Witwatersrand
Classification: Pathogenic for Tuberous sclerosis 2. Last evaluated: 2023-07-01. Review status: criteria provided, single submitter. Criteria: ACMG Guidelines, 2015. Collection method: research. Allele origin: germline. Affected: yes.

GeneDx
Classification: Pathogenic. Last evaluated: 2022-01-21. Review status: criteria provided, single submitter. Criteria: GeneDx Variant Classification Process June 2021. Collection method: clinical testing. Allele origin: germline. Affected: yes.
Comment: Nonsense variant predicted to result in protein truncation or nonsense mediated decay in a gene for which loss-of-function is a known mechanism of disease; This variant is associated with the following publications: (PMID: 17304050, 26408672, 10570911, 10533067, 28968464, 20633017, 10205261, 25525159, 18978035, 14508401, 25782670, 28830860, 31856217, 31291687, 33278787, 32005694, 27535533, 32313033, 33294277)

Laboratorio de Genetica e Diagnostico Molecular, Hospital Israelita Albert Einstein
Classification: Pathogenic for Tuberous sclerosis 2. Last evaluated: 2022-01-13. Review status: criteria provided, single submitter. Criteria: ACMG Guidelines, 2015. Collection method: clinical testing. Allele origin: germline. Affected: yes.
Comment: ACMG classification criteria: PVS1 very strong, PS4 strong, PM2 moderate, PM6 moderate, PP1 supporting

Genome-Nilou Lab
Classification: Pathogenic for Tuberous sclerosis 2. Last evaluated: 2021-11-07. Review status: criteria provided, single submitter. Criteria: ACMG Guidelines, 2015. Collection method: clinical testing. Allele origin: germline. Affected: no.

Athena Diagnostics
Classification: Pathogenic for Tuberous sclerosis 2. Last evaluated: 2015-08-14. Review status: criteria provided, single submitter. Criteria: Athena Diagnostics Criteria. Collection method: clinical testing. Allele origin: germline. Inheritance: Autosomal dominant inheritance.

Clinical Genetics Service, Universitary Hospital 12 de Octubre
Classification: Pathogenic for Tuberous sclerosis 2. Review status: criteria provided, single submitter. Criteria: ACMG Guidelines, 2015. Collection method: clinical testing. Allele origin: de novo. Affected: yes.

Juno Genomics, Hangzhou Juno Genomics, Inc
Classification: Pathogenic for Tuberous sclerosis 2. Review status: criteria provided, single submitter. Criteria: ACMG Guidelines, 2015. Collection method: clinical testing. Allele origin: germline. Affected: yes.
Comment: Absent from controls (or at extremely low frequency if recessive) in Genome Aggregation Database.;Null variant in a gene where loss of function (LOF) is a known mechanism of disease.;The prevalence of the variant in affected individuals is significantly increased compared to the prevalence in controls.;De novo (both maternity and paternity confirmed) in a patient with the disease and no family history.;Patient's phenotype or family history is highly specific for a disease with a single genetic etiology.

Tuberous sclerosis database (TSC2)
No classification provided. Condition: TSC. Review status: no classification provided. Criteria: Tuberous Sclerosis Database Assertion Criteria 2015. Collection method: curation. Allele origin: germline. Affected: yes. Not counted in ClinVar's aggregate classification.

Literature cited by the submitters: PubMed 10205261 (cited by 3 submitters); PubMed 17304050 (cited by Labcorp Genetics (formerly Invitae), Labcorp and Ambry Genetics); PubMed 10533067 (cited by Labcorp Genetics (formerly Invitae), Labcorp and Ambry Genetics); PubMed 10570911 (cited by Labcorp Genetics (formerly Invitae), Labcorp and Ambry Genetics); PubMed 11112665 (cited by Labcorp Genetics (formerly Invitae), Labcorp and Ambry Genetics); PubMed 14508401 (cited by Labcorp Genetics (formerly Invitae), Labcorp and Ambry Genetics); PubMed 20633017 (cited by Labcorp Genetics (formerly Invitae), Labcorp and Ambry Genetics); PubMed 28968464 (cited by Labcorp Genetics (formerly Invitae), Labcorp and Ambry Genetics); PubMed 15798777 (cited by Ambry Genetics); PubMed 24271014 (cited by Ambry Genetics); PubMed 25180276 (cited by Ambry Genetics); PubMed 25782670 (cited by Ambry Genetics); PubMed 28623545 (cited by Ambry Genetics).

NM_000548.5(TSC2):c.4375C>T (p.Arg1459Ter)

Genes: PKD1 (polycystin 1, transient receptor potential channel interacting; minus strand), TSC2 (TSC complex subunit 2; plus strand). Cytogenetic location: 16p13.3.
Variant type: single nucleotide variant.
Coding change: c.4375C>T on transcript NM_000548.5 (MANE Select); coding-DNA position 4375, C replaced by T.
Protein change: p.Arg1459Ter; replaces arginine 1459 with a stop codon.
Molecular consequence: nonsense.
Genome position (GRCh38, 1-based): chr16:2,084,597, C>T. VCF-style: chr16-2084597-C-T. GRCh37 (hg19) VCF-style: chr16-2134598-C-T.
Other names: p.R1459*:CGA>TGA; c.4375C>T (NM_000548.4); c.4174C>T, p.Arg1392Ter (NM_001077183.3); c.4306C>T, p.Arg1436Ter (NM_001114382.3); c.4066C>T, p.Arg1356Ter (NM_001318827.2); c.4030C>T, p.Arg1344Ter (NM_001318829.2); c.3643C>T, p.Arg1215Ter (NM_001318831.2); c.4207C>T, p.Arg1403Ter (NM_001318832.2); and 3 more; short protein forms R1459*, R1344*, R1393*, R1392*, R1403*, R1415*, R1215*, R1356*.
Identifiers: ClinVar variation 49986 (VCV000049986.27), dbSNP rs45517340, ClinGen allele CA020356.